The following is an entry in ClinVar:

NM_006947.4(SRP72):c.612T>G (p.Asp204Glu)

Gene: SRP72 (signal recognition particle 72; plus strand). Cytogenetic location: 4q12.
Variant type: single nucleotide variant.
Coding change: c.612T>G on transcript NM_006947.4 (MANE Select); coding-DNA position 612, T replaced by G.
Protein change: p.Asp204Glu; replaces aspartic acid 204 with glutamic acid.
Molecular consequence: missense variant. On other transcripts: non-coding transcript variant (1).
Genome position (GRCh38, 1-based): chr4:56,476,672, T>G. VCF-style: chr4-56476672-T-G. GRCh37 (hg19) VCF-style: chr4-57342838-T-G.
Other names: c.612T>G, p.Asp204Glu (NM_001267722.2); short protein forms D204E.
Identifiers: ClinVar variation 3801516 (VCV003801516.2).

ClinVar aggregate classification (germline): Uncertain significance. Review status: criteria provided, multiple submitters, no conflicts (2 of 4 stars). 2 submissions from 2 submitters: Uncertain significance (2). Last evaluated 2025-03-08.

Submissions (2):

Ambry Genetics
Classification: Uncertain significance. Last evaluated: 2025-03-08. Review status: criteria provided, single submitter. Criteria: Ambry Variant Classification Scheme 2023. Collection method: clinical testing. Allele origin: germline.
Comment: The p.D204E variant (also known as c.612T>G), located in coding exon 6 of the SRP72 gene, results from a T to G substitution at nucleotide position 612. The aspartic acid at codon 204 is replaced by glutamic acid, an amino acid with highly similar properties. This amino acid position is conserved. In addition, the in silico prediction for this alteration is inconclusive. Based on the available evidence, the clinical significance of this variant remains unclear.

Blueprint Genetics
Classification: Uncertain significance. Last evaluated: 2021-12-23. Review status: criteria provided, single submitter. Criteria: ACMG Guidelines, 2015. Collection method: clinical testing. Allele origin: germline.